The following is an entry in ClinVar:

NM_152305.3(POGLUT1):c.288G>A (p.Leu96=)

Gene: POGLUT1 (protein O-glucosyltransferase 1; plus strand). Cytogenetic location: 3q13.33.
Variant type: single nucleotide variant.
Coding change: c.288G>A on transcript NM_152305.3 (MANE Select); coding-DNA position 288, G replaced by A.
Protein change: p.Leu96=; no amino-acid change (leucine 96 retained).
Molecular consequence: synonymous variant. On other transcripts: non-coding transcript variant (1).
Genome position (GRCh38, 1-based): chr3:119,471,420, G>A. VCF-style: chr3-119471420-G-A. GRCh37 (hg19) VCF-style: chr3-119190267-G-A.
Other names: c.288G>A, p.Leu96= (NM_020231.3); c.288G>A (NM_152305.2).
Identifiers: ClinVar variation 2048945 (VCV002048945.5), dbSNP rs138038847, ClinGen allele CA2554792.

ClinVar aggregate classification (germline): Likely benign. Review status: criteria provided, multiple submitters, no conflicts (2 of 4 stars). 2 submissions from 2 submitters: Likely benign (2). Last evaluated 2026-01-26.

Conditions:
POGLUT1-related disorder. Also called: POGLUT1-related condition.

Allele frequency attached by ClinVar (database versions not stated): 1000 Genomes Project 30x 0.00016; ExAC 0.00016; 1000 Genomes Project 0.00020; TOPMed 0.00021; gnomAD 0.00023; gnomAD exomes 0.00036; ESP Exome Variant Server 0.00038.
gnomAD v4.1: 561 of 1,614,068 alleles (0.035%); highest among the groups gnomAD compares: Non-Finnish European, 0.045%; no homozygotes.

Submissions (2):

Labcorp Genetics (formerly Invitae), Labcorp
Classification: Likely benign. Last evaluated: 2026-01-26. Review status: criteria provided, single submitter. Criteria: Invitae Variant Classification Sherloc (09022015). Collection method: clinical testing. Allele origin: germline.

PreventionGenetics, part of Exact Sciences
Classification: Likely benign for POGLUT1-related condition. Last evaluated: 2026-01-13. Review status: criteria provided, single submitter. Criteria: ACMG Guidelines, 2015. Collection method: clinical testing. Allele origin: germline.
Comment: This variant is classified as likely benign based on ACMG/AMP sequence variant interpretation guidelines (Richards et al. 2015 PMID: 25741868, with internal and published modifications).